The following is an entry in ClinVar:

ClinVar aggregate classification (germline): Uncertain significance (1 of 4 stars; one submission).

Submission:

Labcorp Genetics (formerly Invitae), Labcorp
Classification: Uncertain significance. Last evaluated: 2025-10-06. Review status: criteria provided, single submitter. Criteria: Invitae Variant Classification Sherloc (09022015). Collection method: clinical testing. Allele origin: germline.
Comment: This sequence change replaces tyrosine, which is neutral and polar, with cysteine, which is neutral and slightly polar, at codon 164 of the SARS2 protein (p.Tyr164Cys). This variant is present in population databases (rs773439190, gnomAD 0.003%). This variant has not been reported in the literature in individuals affected with SARS2-related conditions. An algorithm developed to predict the effect of missense changes on protein structure and function (PolyPhen-2) suggests that this variant is likely to be disruptive. In summary, the available evidence is currently insufficient to determine the role of this variant in disease. Therefore, it has been classified as a Variant of Uncertain Significance.

NM_017827.4(SARS2):c.491A>G (p.Tyr164Cys)

Gene: SARS2 (seryl-tRNA synthetase 2, mitochondrial; minus strand). Cytogenetic location: 19q13.2.
Variant type: single nucleotide variant.
Coding change: c.491A>G on transcript NM_017827.4 (MANE Select); coding-DNA position 491, A replaced by G.
Protein change: p.Tyr164Cys; replaces tyrosine 164 with cysteine.
Molecular consequence: missense variant.
Genome position (GRCh38, 1-based): chr19:38,921,570, T>C on the plus strand (A>G on the coding strand, the complement: SARS2 is on the minus strand). VCF-style: chr19-38921570-T-C. GRCh37 (hg19) VCF-style: chr19-39412210-T-C.
Other names: c.497A>G, p.Tyr166Cys (NM_001145901.2); short protein forms Y166C, Y164C.
Identifiers: ClinVar variation 4751169 (VCV004751169.1).